The following is an entry in ClinVar:

NM_003954.5(MAP3K14):c.783C>G (p.Ser261Arg)

Gene: MAP3K14 (mitogen-activated protein kinase kinase kinase 14; minus strand). Cytogenetic location: 17q21.31.
Variant type: single nucleotide variant.
Coding change: c.783C>G on transcript NM_003954.5 (MANE Select); coding-DNA position 783, C replaced by G.
Protein change: p.Ser261Arg; replaces serine 261 with arginine.
Molecular consequence: missense variant.
Genome position (GRCh38, 1-based): chr17:45,286,800, G>C on the plus strand (C>G on the coding strand, the complement: MAP3K14 is on the minus strand). VCF-style: chr17-45286800-G-C. GRCh37 (hg19) VCF-style: chr17-43364167-G-C.
Other names: short protein forms S261R.
Identifiers: ClinVar variation 1362295 (VCV001362295.6), dbSNP rs765537731, ClinGen allele CA8614273.
Genomic context (GRCh38, chr17:45,286,800, plus strand): 5'-CTCCAGAGGGTGAGGTTTCCAGGGCTGGAGAGGGTGGAATGGGAAGGGATGAGGCAGTCT[G>C]CTATAGGGGAAGGGGTGCGTGGGCAGGGGCAGGGGGCCTCCGTCCTGGGGGTGGTGCAGT-3'
Protein context (NP_003945.2, residues 251-271): LPLPTHPFPY[Ser261Arg]RLPHPFPFHP

ClinVar aggregate classification (germline): Uncertain significance (1 of 4 stars; one submission).

Conditions:
NIK deficiency. Also called: Primary immunodeficiency with multifaceted aberrant lymphoid immunity. Identifiers: Orphanet 447731, MedGen C5680065, MONDO:0018642.

Allele frequency attached by ClinVar (database versions not stated): gnomAD exomes below 0.00001 and 0.00001; ExAC 0.00001.
gnomAD v4.1: 6 of 1,613,228 alleles (0.00037%); highest among the groups gnomAD compares: East Asian, 0.013%; no homozygotes.

Submission:

Labcorp Genetics (formerly Invitae), Labcorp
Classification: Uncertain significance for NIK deficiency. Last evaluated: 2021-06-19. Review status: criteria provided, single submitter. Criteria: Invitae Variant Classification Sherloc (09022015). Collection method: clinical testing. Allele origin: germline.
Comment: This variant has not been reported in the literature in individuals with MAP3K14-related conditions. In summary, the available evidence is currently insufficient to determine the role of this variant in disease. Therefore, it has been classified as a Variant of Uncertain Significance. Experimental studies and prediction algorithms are not available or were not evaluated, and the functional significance of this variant is currently unknown. This variant is present in population databases (rs765537731, ExAC 0.01%). This sequence change replaces serine with arginine at codon 261 of the MAP3K14 protein (p.Ser261Arg). The serine residue is moderately conserved and there is a moderate physicochemical difference between serine and arginine.